The following is an entry in ClinVar:

ClinVar aggregate classification (germline): Uncertain significance (1 of 4 stars; one submission).

Conditions:
Hereditary cancer-predisposing syndrome. Also called: Neoplastic Syndromes, Hereditary; Tumor predisposition; Hereditary Cancer Syndrome; Hereditary neoplastic syndrome. Identifiers: Orphanet 140162, MedGen C0027672, MeSH D009386, MONDO:0015356.

Submission:

Ambry Genetics
Classification: Uncertain significance for Hereditary cancer-predisposing syndrome. Last evaluated: 2026-03-30. Review status: criteria provided, single submitter. Criteria: Ambry Variant Classification Scheme 2023. Collection method: clinical testing. Allele origin: germline.
Comment: The p.T499I variant (also known as c.1496C>T), located in coding exon 10 of the CTNNA1 gene, results from a C to T substitution at nucleotide position 1496. The threonine at codon 499 is replaced by isoleucine, an amino acid with similar properties. This amino acid position is conserved. In addition, this alteration is predicted to be deleterious by in silico analysis. Based on the available evidence, the clinical significance of this variant remains unclear.

NM_001903.5(CTNNA1):c.1496C>T (p.Thr499Ile)

Gene: CTNNA1 (catenin alpha 1; plus strand). Cytogenetic location: 5q31.2.
Variant type: single nucleotide variant.
Coding change: c.1496C>T on transcript NM_001903.5 (MANE Select); coding-DNA position 1496, C replaced by T.
Protein change: p.Thr499Ile; replaces threonine 499 with isoleucine.
Molecular consequence: missense variant.
Genome position (GRCh38, 1-based): chr5:138,917,848, C>T. VCF-style: chr5-138917848-C-T. GRCh37 (hg19) VCF-style: chr5-138253537-C-T.
Other names: c.1496C>T, p.Thr499Ile (NM_001290307.3, NM_001323982.2, NM_001323983.1 and 2 more transcripts); c.1187C>T, p.Thr396Ile (NM_001290309.3); c.1127C>T, p.Thr376Ile (NM_001290310.3); c.386C>T, p.Thr129Ile (NM_001290312.1, NM_001323997.1, NM_001323998.1 and 17 more transcripts); c.1403C>T, p.Thr468Ile (NM_001323986.2); c.47C>T, p.Thr16Ile (NM_001324006.1, NM_001324007.1, NM_001324008.1 and 2 more transcripts); c.293C>T, p.Thr98Ile (NM_001324011.1); c.143C>T, p.Thr48Ile (NM_001324012.1, NM_001324013.1); short protein forms T129I, T16I, T376I, T396I, T468I, T48I, T499I, T98I.
Identifiers: ClinVar variation 4869467 (VCV004869467.1).